The following is an entry in ClinVar:

NM_001370595.2(COA8):c.476+286G>C

Gene: COA8 (cytochrome c oxidase assembly factor 8; plus strand). Cytogenetic location: 14q32.33.
Variant type: single nucleotide variant.
Coding change: c.476+286G>C on transcript NM_001370595.2 (MANE Select); 286 bases into the intron after coding-DNA position 476, G replaced by C.
Molecular consequence: intron variant.
Genome position (GRCh38, 1-based): chr14:103,587,650, G>C. VCF-style: chr14-103587650-G-C. GRCh37 (hg19) VCF-style: chr14-104053987-G-C.
Other names: c.515+286G>C (NM_032374.4); c.*30+286G>C (NM_001302653.2).
Identifiers: ClinVar variation 673030 (VCV000673030.1), dbSNP rs146953184, ClinGen allele CA16499481.

ClinVar aggregate classification (germline): Likely benign (1 of 4 stars; one submission).

Allele frequency attached by ClinVar (database versions not stated): gnomAD 0.04288 and 0.04368; 1000 Genomes Project 0.04313; TOPMed 0.04364; 1000 Genomes Project 30x 0.04403.
gnomAD v4.1: 6,670 of 151,456 alleles (4.4%); highest among the groups gnomAD compares: South Asian, 9.2%; 172 homozygotes.

Submission:

GeneDx
Classification: Likely benign. Last evaluated: 2018-06-14. Review status: criteria provided, single submitter. Criteria: GeneDx Variant Classification (06012015). Collection method: clinical testing. Allele origin: germline. Affected: yes.
Comment: This variant is considered likely benign or benign based on one or more of the following criteria: it is a conservative change, it occurs at a poorly conserved position in the protein, it is predicted to be benign by multiple in silico algorithms, and/or has population frequency not consistent with disease.